The following is an entry in ClinVar:

NM_002227.4(JAK1):c.1537G>A (p.Asp513Asn)

Gene: JAK1 (Janus kinase 1; minus strand). Cytogenetic location: 1p31.3.
Variant type: single nucleotide variant.
Coding change: c.1537G>A on transcript NM_002227.4 (MANE Select); coding-DNA position 1537, G replaced by A.
Protein change: p.Asp513Asn; replaces aspartic acid 513 with asparagine.
Molecular consequence: missense variant.
Genome position (GRCh38, 1-based): chr1:64,855,620, C>T on the plus strand (G>A on the coding strand, the complement: JAK1 is on the minus strand). VCF-style: chr1-64855620-C-T. GRCh37 (hg19) VCF-style: chr1-65321303-C-T.
Other names: c.1537G>A, p.Asp513Asn (NM_001320923.2, NM_001321852.2, NM_001321853.2 and 3 more transcripts); c.1534G>A, p.Asp512Asn (NM_001321857.2); short protein forms D513N, D512N.
Identifiers: ClinVar variation 2086921 (VCV002086921.4), dbSNP rs2101050431, ClinGen allele CA340669543.

ClinVar aggregate classification (germline): Uncertain significance (1 of 4 stars; one submission).

Allele frequency attached by ClinVar (database versions not stated): gnomAD exomes below 0.00001.
gnomAD v4.1: 1 of 1,614,126 alleles (0.000062%); highest among the groups gnomAD compares: Non-Finnish European, 0.000085%; no homozygotes.

Submission:

Labcorp Genetics (formerly Invitae), Labcorp
Classification: Uncertain significance. Last evaluated: 2022-06-19. Review status: criteria provided, single submitter. Criteria: Invitae Variant Classification Sherloc (09022015). Collection method: clinical testing. Allele origin: germline.
Comment: This variant is not present in population databases (gnomAD no frequency). In summary, the available evidence is currently insufficient to determine the role of this variant in disease. Therefore, it has been classified as a Variant of Uncertain Significance. Algorithms developed to predict the effect of missense changes on protein structure and function are either unavailable or do not agree on the potential impact of this missense change (SIFT: "Not Available"; PolyPhen-2: "Benign"; Align-GVGD: "Not Available"). This variant has not been reported in the literature in individuals affected with JAK1-related conditions. This sequence change replaces aspartic acid, which is acidic and polar, with asparagine, which is neutral and polar, at codon 513 of the JAK1 protein (p.Asp513Asn).